The following is an entry in ClinVar:

ClinVar aggregate classification (germline): Pathogenic (1 of 4 stars; one submission).

Conditions:
T-B+ severe combined immunodeficiency due to JAK3 deficiency. Also called: SCID, autosomal recessive, T-negative/B-positive type; SCID, T CELL-NEGATIVE, B CELL-POSITIVE, NK CELL-NEGATIVE. Identifiers: Orphanet 35078, MedGen C1833275, MONDO:0010938, OMIM 600802.

Submission:

Labcorp Genetics (formerly Invitae), Labcorp
Classification: Pathogenic for T-B+ severe combined immunodeficiency due to JAK3 deficiency. Last evaluated: 2023-09-22. Review status: criteria provided, single submitter. Criteria: Invitae Variant Classification Sherloc (09022015). Collection method: clinical testing. Allele origin: germline.
Comment: This sequence change affects a donor splice site in intron 8 of the JAK3 gene. It is expected to disrupt RNA splicing. Variants that disrupt the donor or acceptor splice site typically lead to a loss of protein function (PMID: 16199547), and loss-of-function variants in JAK3 are known to be pathogenic (PMID: 7481768, 11668621). This variant is not present in population databases (gnomAD no frequency). Disruption of this splice site has been observed in individual(s) with severe combined immunodeficiency (PMID: 33040328). Algorithms developed to predict the effect of sequence changes on RNA splicing suggest that this variant may disrupt the consensus splice site. For these reasons, this variant has been classified as Pathogenic.

Literature cited by the submitters: PubMed 16199547; PubMed 7481768; PubMed 11668621; PubMed 33040328.

NM_000215.4(JAK3):c.1142+1G>T

Gene: JAK3 (Janus kinase 3; minus strand). Cytogenetic location: 19p13.11.
Variant type: single nucleotide variant.
Coding change: c.1142+1G>T on transcript NM_000215.4 (MANE Select); the canonical splice donor site of the intron after coding-DNA position 1142, G replaced by T.
Molecular consequence: splice donor variant.
Genome position (GRCh38, 1-based): chr19:17,841,388, C>A on the plus strand (G>T on the coding strand, the complement: JAK3 is on the minus strand). VCF-style: chr19-17841388-C-A. GRCh37 (hg19) VCF-style: chr19-17952197-C-A.
Identifiers: ClinVar variation 2762790 (VCV002762790.3), dbSNP rs1232129873, ClinGen allele CA404770911.